The following is an entry in ClinVar:

NM_001184880.2(PCDH19):c.471dup (p.Ser158fs)

Gene: PCDH19 (protocadherin 19; minus strand). Cytogenetic location: Xq22.1.
Variant type: Duplication.
Coding change: c.471dup on transcript NM_001184880.2 (MANE Select); coding-DNA position 471, one base duplicated (C; older notation c.471dupC).
Protein change: p.Ser158fs; shifts the reading frame from serine 158.
Molecular consequence: frameshift variant.
Genome position (GRCh38, 1-based): chrX:100,408,127, G duplicated on the plus strand (C on the coding strand, the reverse complement: PCDH19 is on the minus strand). VCF-style (leftmost placement, unchanged base first): chrX-100408126-A-AG. GRCh37 (hg19) VCF-style: chrX-99663124-A-AG.
Other names: c.471dup, p.Ser158fs (NM_001105243.2, NM_020766.3); short protein forms S158fs.
Identifiers: ClinVar variation 839360 (VCV000839360.1), dbSNP rs1928457666, ClinGen allele CA916083985.
Genomic context (GRCh38, chrX:100,408,126, plus strand): 5'-TCTCCAGGCCGAACAGCTCGTTGGGCGTGAGCTCGTAAGTCTGCACGCCAAAGCTTCCTG[A>AG]GTCTGGATCGTAAGCGCTGTCCAGCGGGATGCGCGTGCCAGGGCTGGCTGCCTCCGAGAT-3'

ClinVar aggregate classification (germline): Pathogenic (1 of 4 stars; one submission).

Conditions:
Developmental and epileptic encephalopathy, 9 (DEE9). Also called: EPILEPSY, FEMALE-RESTRICTED, WITH MENTAL RETARDATION; PCDH19-Related X-Linked Female-Limited Epilepsy with Mental Retardation; Early infantile epileptic encephalopathy 9; JUBERG-HELLMAN SYNDROME. Identifiers: Orphanet 101039, Orphanet 2076, MedGen C1848137, MONDO:0010246, OMIM 300088. Disease mechanism: loss of function.

Submission:

Labcorp Genetics (formerly Invitae), Labcorp
Classification: Pathogenic for Early infantile epileptic encephalopathy 9. Last evaluated: 2019-12-06. Review status: criteria provided, single submitter. Criteria: Invitae Variant Classification Sherloc (09022015). Collection method: clinical testing. Allele origin: germline.
Comment: This sequence change creates a premature translational stop signal (p.Ser158Leufs*68) in the PCDH19 gene. It is expected to result in an absent or disrupted protein product. This variant is not present in population databases (ExAC no frequency). This variant has not been reported in the literature in individuals with PCDH19-related conditions. Loss-of-function variants in PCDH19 are known to be pathogenic (PMID: 21053371). For these reasons, this variant has been classified as Pathogenic.